The following is an entry in ClinVar:

ClinVar aggregate classification (germline): Uncertain significance (1 of 4 stars; one submission).

Conditions:
Familial thoracic aortic aneurysm and aortic dissection (TAAD). Also called: Thoracic aortic aneurysms and dissections. Identifiers: Orphanet 91387, MedGen C4707243, MONDO:0019625.

Submission:

Ambry Genetics
Classification: Uncertain significance for Familial thoracic aortic aneurysm and aortic dissection. Last evaluated: 2025-02-13. Review status: criteria provided, single submitter. Criteria: Ambry Variant Classification Scheme 2023. Collection method: clinical testing. Allele origin: germline.
Comment: The p.D1972V variant (also known as c.5915A>T), located in coding exon 31 of the NOTCH1 gene, results from an A to T substitution at nucleotide position 5915. The aspartic acid at codon 1972 is replaced by valine, an amino acid with highly dissimilar properties. This amino acid position is conserved. In addition, this alteration is predicted to be deleterious by in silico analysis. Based on the available evidence, the clinical significance of this variant remains unclear.

NM_017617.5(NOTCH1):c.5915A>T (p.Asp1972Val)

Gene: NOTCH1 (notch receptor 1; minus strand). Cytogenetic location: 9q34.3.
Variant type: single nucleotide variant.
Coding change: c.5915A>T on transcript NM_017617.5 (MANE Select); coding-DNA position 5915, A replaced by T.
Protein change: p.Asp1972Val; replaces aspartic acid 1972 with valine.
Molecular consequence: missense variant.
Genome position (GRCh38, 1-based): chr9:136,500,571, T>A on the plus strand (A>T on the coding strand, the complement: NOTCH1 is on the minus strand). VCF-style: chr9-136500571-T-A. GRCh37 (hg19) VCF-style: chr9-139395023-T-A.
Other names: short protein forms D1972V.
Identifiers: ClinVar variation 3880492 (VCV003880492.1).